The following is an entry in ClinVar:

ClinVar aggregate classification (germline): Pathogenic. Review status: no assertion criteria provided (0 of 4 stars). 2 submissions from 2 submitters: Pathogenic (2). Last evaluated 2022-05-02.

Conditions:
8q24.3 microdeletion syndrome. Also called: CHROMOSOME 8q24.3 DELETION SYNDROME; Verheij syndrome. Identifiers: Orphanet 508488, MedGen C3810023, MONDO:0014263, OMIM 615583.
Intellectual disability-cardiac anomalies-short stature-joint laxity syndrome. Identifiers: Orphanet 508498, MedGen C5568572, MONDO:0034989.

Submissions (2):

Clinical Genetics Laboratory, University Hospital Schleswig-Holstein
Classification: Pathogenic for 8q24.3 microdeletion syndrome. Last evaluated: 2022-05-02. Review status: no assertion criteria provided. Collection method: clinical testing. Allele origin: germline. Affected: yes.

Division of Pediatric Neurology, Department of Pediatrics, University Hospital Cologne
Classification: Pathogenic for Intellectual disability-cardiac anomalies-short stature-joint laxity syndrome. Review status: no assertion criteria provided. Collection method: clinical testing. Allele origin: de novo. Affected: yes. Observed: 1 heterozygote.
Comment: The de novo heterozygous c.636_640del, (p.Gln212HisfsTer7) variant was absent from healthy population databases (gnomAD v.3.1.2). This variant likely results in reduced protein expression. A previous study has reported a similar phenotype with a frameshift-truncating variant located closely to this variant (Grimes et al., 2023).

Literature cited by the submitters: DOI 10.1002/ajmg.a.63313 (cited by Division of Pediatric Neurology, Department of Pediatrics, University Hospital Cologne).

NM_078480.3(PUF60):c.636_640del (p.Gln212fs)

Gene: PUF60 (poly(U) binding splicing factor 60; minus strand). Cytogenetic location: 8q24.3.
Variant type: Microsatellite.
Coding change: c.636_640del on transcript NM_078480.3 (MANE Select); coding-DNA positions 636 to 640, 5 bases deleted (GCCCA; older notation c.636_640delGCCCA).
Protein change: p.Gln212fs; shifts the reading frame from glutamine 212.
Molecular consequence: frameshift variant.
Genome position (GRCh38, 1-based): chr8:143,818,039-143,818,043, TGGGC deleted on the plus strand (GCCCA on the coding strand, the reverse complement: PUF60 is on the minus strand); deleting any 5 consecutive bases within chr8:143,818,039-143,818,048 gives the same sequence; the c. name uses the placement nearest the transcript's 3' end. VCF-style (leftmost placement, unchanged base first): chr8-143818038-ATGGGC-A. GRCh37 (hg19) VCF-style: chr8-144900208-ATGGGC-A.
Other names: c.507_511del, p.Gln169fs (NM_001136033.3); c.582_586del, p.Gln194fs (NM_001271096.2); c.498_502del, p.Gln166fs (NM_001271097.2); c.633_637del, p.Gln211fs (NM_001271098.2); c.549_553del, p.Gln183fs (NM_001271099.2); c.456_460del, p.Gln152fs (NM_001271100.2); c.747_751del, p.Gln249fs (NM_001362895.2, NM_001362896.2); c.696_700del, p.Gln232fs (NM_001362897.2); and 1 more; short protein forms Q152fs, Q166fs, Q169fs, Q183fs, Q194fs, Q195fs, Q211fs, Q212fs.
Identifiers: ClinVar variation 1710261 (VCV001710261.4), dbSNP rs2538860687, ClinGen allele CA2580617242.